The following is an entry in ClinVar:

ClinVar aggregate classification (germline): Uncertain significance (1 of 4 stars; one submission).

Conditions:
Immunodeficiency due to CD25 deficiency. Also called: IMMUNODEFICIENCY 41 WITH LYMPHOPROLIFERATION AND AUTOIMMUNITY; IL2RA DEFICIENCY; CD25 DEFICIENCY. Identifiers: Orphanet 169100, MedGen C1853392, MONDO:0011664, OMIM 606367.

Allele frequency attached by ClinVar (database versions not stated): gnomAD exomes 0.00001 and 0.00003; ExAC 0.00002; gnomAD 0.00009 and 0.00011; TOPMed 0.00011.
gnomAD v4.1: 34 of 1,613,824 alleles (0.0021%); highest among the groups gnomAD compares: African/African-American, 0.039%; no homozygotes.

Submission:

Labcorp Genetics (formerly Invitae), Labcorp
Classification: Uncertain significance for Immunodeficiency due to CD25 deficiency. Last evaluated: 2025-06-30. Review status: criteria provided, single submitter. Criteria: Invitae Variant Classification Sherloc (09022015). Collection method: clinical testing. Allele origin: germline.
Comment: This sequence change replaces histidine, which is basic and polar, with arginine, which is basic and polar, at codon 160 of the IL2RA protein (p.His160Arg). This variant is present in population databases (rs772585400, gnomAD 0.03%). This variant has not been reported in the literature in individuals affected with IL2RA-related conditions. ClinVar contains an entry for this variant (Variation ID: 1475701). Invitae Evidence Modeling of protein sequence and biophysical properties (such as structural, functional, and spatial information, amino acid conservation, physicochemical variation, residue mobility, and thermodynamic stability) indicates that this missense variant is not expected to disrupt IL2RA protein function with a negative predictive value of 80%. In summary, the available evidence is currently insufficient to determine the role of this variant in disease. Therefore, it has been classified as a Variant of Uncertain Significance.

NM_000417.3(IL2RA):c.479A>G (p.His160Arg)

Gene: IL2RA (interleukin 2 receptor subunit alpha; minus strand). Cytogenetic location: 10p15.1.
Variant type: single nucleotide variant.
Coding change: c.479A>G on transcript NM_000417.3 (MANE Select); coding-DNA position 479, A replaced by G.
Protein change: p.His160Arg; replaces histidine 160 with arginine.
Molecular consequence: missense variant. On other transcripts: intron variant (2).
Genome position (GRCh38, 1-based): chr10:6,021,582, T>C on the plus strand (A>G on the coding strand, the complement: IL2RA is on the minus strand). VCF-style: chr10-6021582-T-C. GRCh37 (hg19) VCF-style: chr10-6063545-T-C.
Other names: c.368-2083A>G (NM_001308243.2); c.368-1641A>G (NM_001308242.2); short protein forms H160R.
Identifiers: ClinVar variation 1475701 (VCV001475701.7), dbSNP rs772585400, ClinGen allele CA5397436.
Genomic context (GRCh38, chr10:6,021,582, plus strand): 5'-GGCTGGGTCCACCTTGTCTTCCCGTGGGTCATTTTGCAGACGCTCTCAGCAGGACCTCTG[T>C]GTAGAGCCCTGTATCCCTGGACGCACTGATAATAAACCATCTGCCCCACCACGAAATGAT-3'
Protein context (NP_000408.1, residues 150-170): YQCVQGYRAL[His160Arg]RGPAESVCKM